The following is an entry in ClinVar:

ClinVar aggregate classification (germline): Benign/Likely benign. Review status: criteria provided, multiple submitters, no conflicts (2 of 4 stars). 5 submissions from 5 submitters: Benign (1); Likely benign (4). Last evaluated 2024-07-18.

Conditions:
Hereditary cancer-predisposing syndrome. Also called: Tumor predisposition; Hereditary Cancer Syndrome; Neoplastic Syndromes, Hereditary; Hereditary neoplastic syndrome. Identifiers: Orphanet 140162, MedGen C0027672, MeSH D009386, MONDO:0015356.
BAP1-related tumor predisposition syndrome (TPDS1). Also called: Tumor susceptibility linked to germline BAP1 mutations; BAP1 tumor predisposition syndrome; COMMON Syndrome; TUMOR PREDISPOSITION SYNDROME 1. Identifiers: Orphanet 289539, MedGen C3280492, MONDO:0013692, OMIM 614327.

Allele frequency attached by ClinVar (database versions not stated): gnomAD exomes below 0.00001; gnomAD 0.00001.
gnomAD v4.1: 2 of 1,567,364 alleles (0.00013%); no homozygotes.

Submissions (5):

Myriad Genetics, Inc.
Classification: Benign for BAP1-related tumor predisposition syndrome. Last evaluated: 2024-07-18. Review status: criteria provided, single submitter. Criteria: Myriad Autosomal Dominant, Autosomal Recessive and X-Linked Classification Criteria (2023). Collection method: clinical testing. Allele origin: unknown.
Comment: This variant is considered benign. This variant is a silent/synonymous amino acid change and it is not expected to impact splicing.

Labcorp Genetics (formerly Invitae), Labcorp
Classification: Likely benign for BAP1-related tumor predisposition syndrome. Last evaluated: 2024-05-02. Review status: criteria provided, single submitter. Criteria: Invitae Variant Classification Sherloc (09022015). Collection method: clinical testing. Allele origin: germline.

Blueprint Genetics
Classification: Likely benign. Last evaluated: 2022-01-24. Review status: criteria provided, single submitter. Criteria: ACMG Guidelines, 2015. Collection method: clinical testing. Allele origin: germline.

Ambry Genetics
Classification: Likely benign for Hereditary cancer-predisposing syndrome. Last evaluated: 2020-08-07. Review status: criteria provided, single submitter. Criteria: Ambry Variant Classification Scheme 2023. Collection method: clinical testing. Allele origin: germline.

Color Diagnostics, LLC DBA Color Health
Classification: Likely benign for Hereditary cancer-predisposing syndrome. Last evaluated: 2016-09-11. Review status: criteria provided, single submitter. Criteria: ACMG Guidelines, 2015. Collection method: clinical testing. Allele origin: germline.

NM_004656.4(BAP1):c.2067C>T (p.Ala689=)

Gene: BAP1 (BRCA1 associated deubiquitinase 1; minus strand). Cytogenetic location: 3p21.1.
Variant type: single nucleotide variant.
Coding change: c.2067C>T on transcript NM_004656.4 (MANE Select); coding-DNA position 2067, C replaced by T.
Protein change: p.Ala689=; no amino-acid change (alanine 689 retained).
Molecular consequence: synonymous variant.
Genome position (GRCh38, 1-based): chr3:52,402,411, G>A on the plus strand (C>T on the coding strand, the complement: BAP1 is on the minus strand). VCF-style: chr3-52402411-G-A. GRCh37 (hg19) VCF-style: chr3-52436427-G-A.
Identifiers: ClinVar variation 490839 (VCV000490839.14), dbSNP rs1477957634, ClinGen allele CA433886142.